The following is an entry in ClinVar:

NM_014915.3(ANKRD26):c.32C>G (p.Ser11Trp)

Genes: ANKRD26 (ankyrin repeat domain 26; minus strand), LOC130003554 (ATAC-STARR-seq lymphoblastoid silent region 2243; plus strand). Cytogenetic location: 10p12.1.
Variant type: single nucleotide variant.
Coding change: c.32C>G on transcript NM_014915.3 (MANE Select); coding-DNA position 32, C replaced by G.
Protein change: p.Ser11Trp; replaces serine 11 with tryptophan.
Molecular consequence: missense variant.
Genome position (GRCh38, 1-based): chr10:27,100,295, G>C on the plus strand (C>G on the coding strand, the complement: ANKRD26 is on the minus strand). VCF-style: chr10-27100295-G-C. GRCh37 (hg19) VCF-style: chr10-27389224-G-C.
Other names: c.32C>G, p.Ser11Trp (NM_001256053.2); short protein forms S11W.
Identifiers: ClinVar variation 4580115 (VCV004580115.1).

ClinVar aggregate classification (germline): Uncertain significance (1 of 4 stars; one submission).

Conditions:
Inborn genetic diseases. Identifiers: MedGen C0950123, MeSH D030342.

Submission:

Ambry Genetics
Classification: Uncertain significance for Inborn genetic diseases. Last evaluated: 2025-11-20. Review status: criteria provided, single submitter. Criteria: Ambry Variant Classification Scheme 2023. Collection method: clinical testing. Allele origin: germline.
Comment: The p.S11W variant (also known as c.32C>G), located in coding exon 1 of the ANKRD26 gene, results from a C to G substitution at nucleotide position 32. The serine at codon 11 is replaced by tryptophan, an amino acid with highly dissimilar properties. This amino acid position is conserved. In addition, this alteration is predicted to be tolerated by in silico analysis. Based on the available evidence, the clinical significance of this variant remains unclear.